The following is an entry in ClinVar:

NM_000092.5(COL4A4):c.227_231del (p.Ile76fs)

Gene: COL4A4 (collagen type IV alpha 4 chain; minus strand). Cytogenetic location: 2q36.3.
Variant type: Deletion.
Coding change: c.227_231del on transcript NM_000092.5 (MANE Select); coding-DNA positions 227 to 231, 5 bases deleted (TTGGA; older notation c.227_231delTTGGA).
Protein change: p.Ile76fs; shifts the reading frame from isoleucine 76.
Molecular consequence: frameshift variant.
Genome position (GRCh38, 1-based): chr2:227,121,110-227,121,114, TCCAA deleted on the plus strand (TTGGA on the coding strand, the reverse complement: COL4A4 is on the minus strand); deleting any 5 consecutive bases within chr2:227,121,110-227,121,115 gives the same sequence; the c. name uses the placement nearest the transcript's 3' end. VCF-style (leftmost placement, unchanged base first): chr2-227121109-GTCCAA-G. GRCh37 (hg19) VCF-style: chr2-227985825-GTCCAA-G.
Other names: short protein forms I76fs.
Identifiers: ClinVar variation 969041 (VCV000969041.7), dbSNP rs2061758031, ClinGen allele CA1139657723.

ClinVar aggregate classification (germline): Pathogenic (1 of 4 stars; one submission).

Submission:

Labcorp Genetics (formerly Invitae), Labcorp
Classification: Pathogenic. Last evaluated: 2020-09-05. Review status: criteria provided, single submitter. Criteria: Invitae Variant Classification Sherloc (09022015). Collection method: clinical testing. Allele origin: germline.
Comment: For these reasons, this variant has been classified as Pathogenic. Loss-of-function variants in COL4A4 are known to be pathogenic (PMID: 19129241, 21196518, 24052634, 24522496, 24854265, 25307543, 26809805, 27281700). This variant has not been reported in the literature in individuals with COL4A4-related conditions. This variant is not present in population databases (ExAC no frequency). This sequence change creates a premature translational stop signal (p.Ile76Thrfs*32) in the COL4A4 gene. It is expected to result in an absent or disrupted protein product.

Literature cited by the submitters: PubMed 19129241; PubMed 21196518; PubMed 24052634; PubMed 24522496; PubMed 24854265; PubMed 25307543; PubMed 26809805; PubMed 27281700.